The following is an entry in ClinVar:

ClinVar aggregate classification (germline): Uncertain significance. Review status: criteria provided, multiple submitters, no conflicts (2 of 4 stars). 3 submissions from 3 submitters: Uncertain significance (3). Last evaluated 2026-05-16.

Conditions:
SCLT1-related disorder. Also called: SCLT1-related condition.

Allele frequency attached by ClinVar (database versions not stated): ExAC 0.00007; TOPMed 0.00007; ESP Exome Variant Server 0.00008; gnomAD 0.00009.
gnomAD v4.1: 85 of 1,608,830 alleles (0.0053%); highest among the groups gnomAD compares: Non-Finnish European, 0.0013%; no homozygotes.

Submissions (3):

PreventionGenetics, part of Exact Sciences
Classification: Uncertain significance for SCLT1-related condition. Last evaluated: 2026-05-16. Review status: criteria provided, single submitter. Criteria: ACMG Guidelines, 2015. Collection method: clinical testing. Allele origin: germline.
Comment: The SCLT1 c.800A>G variant is predicted to result in the amino acid substitution p.His267Arg. To our knowledge, this variant has not been reported in the literature. This variant is reported in 0.17% of alleles in individuals of Ashkenazi Jewish descent in gnomAD. Although we suspect that this variant may be benign, at this time, the clinical significance of this variant is uncertain due to the absence of conclusive functional and genetic evidence.

Labcorp Genetics (formerly Invitae), Labcorp
Classification: Uncertain significance. Last evaluated: 2022-08-17. Review status: criteria provided, single submitter. Criteria: Invitae Variant Classification Sherloc (09022015). Collection method: clinical testing. Allele origin: germline.
Comment: This sequence change replaces histidine, which is basic and polar, with arginine, which is basic and polar, at codon 267 of the SCLT1 protein (p.His267Arg). This variant is present in population databases (rs371314339, gnomAD 0.2%). This variant has not been reported in the literature in individuals affected with SCLT1-related conditions. Algorithms developed to predict the effect of missense changes on protein structure and function (SIFT, PolyPhen-2, Align-GVGD) all suggest that this variant is likely to be tolerated. In summary, the available evidence is currently insufficient to determine the role of this variant in disease. Therefore, it has been classified as a Variant of Uncertain Significance.

Ambry Genetics
Classification: Uncertain significance. Last evaluated: 2022-02-03. Review status: criteria provided, single submitter. Criteria: Ambry Variant Classification Scheme 2023. Collection method: clinical testing. Allele origin: germline.

NM_144643.4(SCLT1):c.800A>G (p.His267Arg)

Gene: SCLT1 (sodium channel and clathrin linker 1; minus strand). Cytogenetic location: 4q28.2.
Variant type: single nucleotide variant.
Coding change: c.800A>G on transcript NM_144643.4 (MANE Select); coding-DNA position 800, A replaced by G.
Protein change: p.His267Arg; replaces histidine 267 with arginine.
Molecular consequence: missense variant.
Genome position (GRCh38, 1-based): chr4:128,965,296, T>C on the plus strand (A>G on the coding strand, the complement: SCLT1 is on the minus strand). VCF-style: chr4-128965296-T-C. GRCh37 (hg19) VCF-style: chr4-129886451-T-C.
Other names: c.800A>G (NM_144643.3, NM_144643.2); c.800A>G, p.His267Arg (NM_001410807.1); short protein forms H267R.
Identifiers: ClinVar variation 2180307 (VCV002180307.3), dbSNP rs371314339, ClinGen allele CA3079800.
Genomic context (GRCh38, chr4:128,965,296, plus strand): 5'-AATTGTTTTATACTAGACTGTAACTGCTGTAAACGCCTATCTGATGCTTCCTCTCTTCCA[T>C]GGGCAGACACCACATCCTTCTCCTAGAAAATAAAGAAACTAGAAGCTTACTTTGAGTATG-3'
Protein context (NP_653244.2, residues 257-277): KKKEKDVVSA[His267Arg]GREEASDRRL